The following is an entry in ClinVar:

ClinVar aggregate classification (germline): Uncertain significance (1 of 4 stars; one submission).

Conditions:
FG syndrome (FGS). Identifiers: MedGen C0220769, MONDO:0002010.

Submission:

Labcorp Genetics (formerly Invitae), Labcorp
Classification: Uncertain significance for FG syndrome. Last evaluated: 2023-06-07. Review status: criteria provided, single submitter. Criteria: Invitae Variant Classification Sherloc (09022015). Collection method: clinical testing. Allele origin: germline.
Comment: In summary, the available evidence is currently insufficient to determine the role of this variant in disease. Therefore, it has been classified as a Variant of Uncertain Significance. Advanced modeling of protein sequence and biophysical properties (such as structural, functional, and spatial information, amino acid conservation, physicochemical variation, residue mobility, and thermodynamic stability) has been performed at Invitae for this missense variant, however the output from this modeling did not meet the statistical confidence thresholds required to predict the impact of this variant on MED12 protein function. This variant has not been reported in the literature in individuals affected with MED12-related conditions. This variant is not present in population databases (gnomAD no frequency). This sequence change replaces leucine, which is neutral and non-polar, with proline, which is neutral and non-polar, at codon 1991 of the MED12 protein (p.Leu1991Pro).

NM_005120.3(MED12):c.5972T>C (p.Leu1991Pro)

Gene: MED12 (mediator complex subunit 12; plus strand). Cytogenetic location: Xq13.1.
Variant type: single nucleotide variant.
Coding change: c.5972T>C on transcript NM_005120.3 (MANE Select); coding-DNA position 5972, T replaced by C.
Protein change: p.Leu1991Pro; replaces leucine 1991 with proline.
Molecular consequence: missense variant.
Genome position (GRCh38, 1-based): chrX:71,137,871, T>C. VCF-style: chrX-71137871-T-C. GRCh37 (hg19) VCF-style: chrX-70357721-T-C.
Other names: short protein forms L1991P.
Identifiers: ClinVar variation 2796274 (VCV002796274.3), dbSNP rs2519715754, ClinGen allele CA413539472.